The following is an entry in ClinVar:

ClinVar aggregate classification (germline): Uncertain significance. Review status: criteria provided, multiple submitters, no conflicts (2 of 4 stars). 2 submissions from 2 submitters: Uncertain significance (2). Last evaluated 2025-03-25.

Conditions:
Epilepsy. Also called: Seizure disorder. Identifiers: MedGen C0014544, MeSH D004827, MONDO:0005027.
Inborn genetic diseases. Identifiers: MedGen C0950123, MeSH D030342.

Allele frequency attached by ClinVar (database versions not stated): gnomAD exomes 0.00005 and 0.00007; gnomAD 0.00008; TOPMed 0.00002; ExAC 0.00003.

Submissions (2):

Ambry Genetics
Classification: Uncertain significance for Inborn genetic diseases. Last evaluated: 2025-03-25. Review status: criteria provided, single submitter. Criteria: Ambry Variant Classification Scheme 2023. Collection method: clinical testing. Allele origin: germline.

Labcorp Genetics (formerly Invitae), Labcorp
Classification: Uncertain significance for Epilepsy. Last evaluated: 2021-08-31. Review status: criteria provided, single submitter. Criteria: Invitae Variant Classification Sherloc (09022015). Collection method: clinical testing. Allele origin: germline.
Comment: This sequence change replaces alanine with valine at codon 384 of the PIGQ protein (p.Ala384Val). The alanine residue is highly conserved and there is a small physicochemical difference between alanine and valine. This variant is present in population databases (rs201364919, ExAC 0.03%). This variant has not been reported in the literature in individuals affected with PIGQ-related conditions. Algorithms developed to predict the effect of missense changes on protein structure and function output the following: SIFT: "Tolerated"; PolyPhen-2: "Benign"; Align-GVGD: "Class C0". The valine amino acid residue is found in multiple mammalian species, which suggests that this missense change does not adversely affect protein function. In summary, the available evidence is currently insufficient to determine the role of this variant in disease. Therefore, it has been classified as a Variant of Uncertain Significance.

NM_004204.5(PIGQ):c.1151C>T (p.Ala384Val)

Gene: PIGQ (phosphatidylinositol glycan anchor biosynthesis class Q; plus strand). Cytogenetic location: 16p13.3.
Variant type: single nucleotide variant.
Coding change: c.1151C>T on transcript NM_004204.5 (MANE Select); coding-DNA position 1151, C replaced by T.
Protein change: p.Ala384Val; replaces alanine 384 with valine.
Molecular consequence: missense variant.
Genome position (GRCh38, 1-based): chr16:578,866, C>T. VCF-style: chr16-578866-C-T. GRCh37 (hg19) VCF-style: chr16-628866-C-T.
Other names: c.1151C>T (NM_148920.1); c.1151C>T, p.Ala384Val (NM_148920.4); short protein forms A384V.
Identifiers: ClinVar variation 959419 (VCV000959419.8), dbSNP rs201364919, ClinGen allele CA7780134.